The following is an entry in ClinVar:

ClinVar aggregate classification (germline): Uncertain significance. Review status: criteria provided, multiple submitters, no conflicts (2 of 4 stars). 2 submissions from 2 submitters: Uncertain significance (2). Last evaluated 2024-01-04.

Allele frequency attached by ClinVar (database versions not stated): gnomAD 0.00003; TOPMed 0.00003; gnomAD exomes 0.00004.
gnomAD v4.1: 56 of 1,535,740 alleles (0.0036%); highest among the groups gnomAD compares: Middle Eastern, 0.017%; no homozygotes.

Submissions (2):

GeneDx
Classification: Uncertain significance. Last evaluated: 2024-01-04. Review status: criteria provided, single submitter. Criteria: GeneDx Variant Classification Process June 2021. Collection method: clinical testing. Allele origin: germline. Affected: yes.
Comment: Not observed at significant frequency in large population cohorts (gnomAD); In silico analysis supports that this missense variant does not alter protein structure/function; Has not been previously published as pathogenic or benign to our knowledge

Labcorp Genetics (formerly Invitae), Labcorp
Classification: Uncertain significance. Last evaluated: 2022-10-25. Review status: criteria provided, single submitter. Criteria: Invitae Variant Classification Sherloc (09022015). Collection method: clinical testing. Allele origin: germline.
Comment: This sequence change replaces arginine, which is basic and polar, with glutamine, which is neutral and polar, at codon 955 of the PDZD7 protein (p.Arg955Gln). In summary, the available evidence is currently insufficient to determine the role of this variant in disease. Therefore, it has been classified as a Variant of Uncertain Significance. Algorithms developed to predict the effect of missense changes on protein structure and function output the following: SIFT: "Deleterious"; PolyPhen-2: "Not Available"; Align-GVGD: "Class C0". The glutamine amino acid residue is found in multiple mammalian species, which suggests that this missense change does not adversely affect protein function. This variant has not been reported in the literature in individuals affected with PDZD7-related conditions. This variant is not present in population databases (gnomAD no frequency).

NM_001195263.2(PDZD7):c.2864G>A (p.Arg955Gln)

Gene: PDZD7 (PDZ domain containing 7; minus strand). Cytogenetic location: 10q24.31.
Variant type: single nucleotide variant.
Coding change: c.2864G>A on transcript NM_001195263.2 (MANE Select); coding-DNA position 2864, G replaced by A.
Protein change: p.Arg955Gln; replaces arginine 955 with glutamine.
Molecular consequence: missense variant.
Genome position (GRCh38, 1-based): chr10:101,008,705, C>T on the plus strand (G>A on the coding strand, the complement: PDZD7 is on the minus strand). VCF-style: chr10-101008705-C-T. GRCh37 (hg19) VCF-style: chr10-102768462-C-T.
Other names: c.2864G>A (NM_001195263.1); short protein forms R955Q.
Identifiers: ClinVar variation 1928319 (VCV001928319.5), dbSNP rs980569540, ClinGen allele CA212977319.